The following is an entry in ClinVar:

ClinVar aggregate classification (germline): Uncertain significance (1 of 4 stars; one submission).

Submission:

GeneDx
Classification: Uncertain significance. Last evaluated: 2024-03-04. Review status: criteria provided, single submitter. Criteria: GeneDx Variant Classification Process June 2021. Collection method: clinical testing. Allele origin: germline. Affected: yes.
Comment: Not observed at significant frequency in large population cohorts (gnomAD); In silico analysis supports that this missense variant has a deleterious effect on protein structure/function; Has not been previously published as pathogenic or benign to our knowledge

NM_016284.5(CNOT1):c.2546A>G (p.Asn849Ser)

Gene: CNOT1 (CCR4-NOT transcription complex subunit 1; minus strand). Cytogenetic location: 16q21.
Variant type: single nucleotide variant.
Coding change: c.2546A>G on transcript NM_016284.5 (MANE Select); coding-DNA position 2546, A replaced by G.
Protein change: p.Asn849Ser; replaces asparagine 849 with serine.
Molecular consequence: missense variant. On other transcripts: non-coding transcript variant (1).
Genome position (GRCh38, 1-based): chr16:58,555,842, T>C on the plus strand (A>G on the coding strand, the complement: CNOT1 is on the minus strand). VCF-style: chr16-58555842-T-C. GRCh37 (hg19) VCF-style: chr16-58589746-T-C.
Other names: c.2531A>G, p.Asn844Ser (NM_001265612.2); c.2546A>G, p.Asn849Ser (NM_206999.3); short protein forms N844S, N849S.
Identifiers: ClinVar variation 3369605 (VCV003369605.1).